The following is an entry in ClinVar:

NM_001365951.3(KIF1B):c.3407T>C (p.Ile1136Thr)

Gene: KIF1B (kinesin family member 1B; plus strand). Cytogenetic location: 1p36.22.
Variant type: single nucleotide variant.
Coding change: c.3407T>C on transcript NM_001365951.3 (MANE Select); coding-DNA position 3407, T replaced by C.
Protein change: p.Ile1136Thr; replaces isoleucine 1136 with threonine.
Molecular consequence: missense variant.
Genome position (GRCh38, 1-based): chr1:10,337,518, T>C. VCF-style: chr1-10337518-T-C. GRCh37 (hg19) VCF-style: chr1-10397576-T-C.
Other names: c.3407T>C, p.Ile1136Thr (NM_001365952.1); c.3269T>C, p.Ile1090Thr (NM_015074.3); short protein forms I1090T, I1136T.
Identifiers: ClinVar variation 155749 (VCV000155749.17), dbSNP rs374098797, ClinGen allele CA233110.

ClinVar aggregate classification (germline): Conflicting classifications of pathogenicity. Review status: criteria provided, conflicting classifications (1 of 4 stars). 7 submissions from 7 submitters: Uncertain significance (5); Likely benign (1). 1 of the submissions does not count toward it. Last evaluated 2026-04-17.

Conditions:
Charcot-Marie-Tooth disease type 2A1. Also called: CHARCOT-MARIE-TOOTH DISEASE, AXONAL, AUTOSOMAL DOMINANT, TYPE 2A1; CHARCOT-MARIE-TOOTH DISEASE, NEURONAL, TYPE 2A1; CHARCOT-MARIE-TOOTH NEUROPATHY, TYPE 2A1; HEREDITARY MOTOR AND SENSORY NEUROPATHY IIA1; CHARCOT-MARIE-TOOTH DISEASE, AXONAL, TYPE 2A1. Identifiers: Orphanet 99946, MedGen C1861678, MONDO:0007308, OMIM 118210.
Neuroblastoma, susceptibility to, 1. Identifiers: MedGen C2749485, MONDO:0009741, OMIM 256700.
Charcot-Marie-Tooth disease. Also called: Charcot-Marie-Tooth Neuropathy; Charcot-Marie-Tooth Hereditary Neuropathy. Identifiers: Orphanet 166, MedGen C0007959, MONDO:0015626.
Charcot-Marie-Tooth disease type 2. Also called: Charcot-Marie-Tooth type 2. Identifiers: Orphanet 64746, MedGen C0270914, MONDO:0018993.

Allele frequency attached by ClinVar (database versions not stated): TOPMed 0.00012; ESP Exome Variant Server 0.00023; gnomAD exomes 0.00008 and 0.00018; ExAC 0.00007; gnomAD 0.00009.
gnomAD v4.1: 275 of 1,614,084 alleles (0.017%); highest among the groups gnomAD compares: Non-Finnish European, 0.023%; no homozygotes.

Submissions (7):

Women's Health and Genetics/Laboratory Corporation of America, LabCorp
Classification: Uncertain significance. Last evaluated: 2026-04-17. Review status: criteria provided, single submitter. Criteria: LabCorp Variant Classification Summary - May 2015. Collection method: clinical testing. Allele origin: germline.
Comment: Variant summary: KIF1B c.3269T>C (p.Ile1090Thr) results in a non-conservative amino acid change in the encoded protein sequence. Algorithms developed to predict the effect of missense changes on protein structure and function all suggest that this variant is likely to be disruptive. The variant allele was found at a frequency of 7.6e-05 in 251454 control chromosomes. This frequency is not significantly higher than estimated for disease-causing variants in KIF1B, allowing no conclusion about variant significance. To our knowledge, no occurrence of c.3269T>C in individuals affected with KIF1B-related conditions and no experimental evidence demonstrating its impact on protein function have been reported. ClinVar contains an entry for this variant (Variation ID: 155749). Based on the evidence outlined above, the variant was classified as uncertain significance.

Labcorp Genetics (formerly Invitae), Labcorp
Classification: Uncertain significance for Charcot-Marie-Tooth disease type 2. Last evaluated: 2025-10-07. Review status: criteria provided, single submitter. Criteria: Invitae Variant Classification Sherloc (09022015). Collection method: clinical testing. Allele origin: germline.
Comment: This sequence change replaces isoleucine, which is neutral and non-polar, with threonine, which is neutral and polar, at codon 1090 of the KIF1B protein (p.Ile1090Thr). This variant is present in population databases (rs374098797, gnomAD 0.02%). This missense change has been observed in individual(s) with clinical features of Charcot-Marie-Tooth disease (PMID: 32376792). ClinVar contains an entry for this variant (Variation ID: 155749). An algorithm developed to predict the effect of missense changes on protein structure and function (PolyPhen-2) suggests that this variant is likely to be disruptive. In summary, the available evidence is currently insufficient to determine the role of this variant in disease. Therefore, it has been classified as a Variant of Uncertain Significance.

Fulgent Genetics
Classification: Uncertain significance for Charcot-Marie-Tooth disease type 2A1; Neuroblastoma, susceptibility to, 1. Last evaluated: 2024-06-05. Review status: criteria provided, single submitter. Criteria: ACMG Guidelines, 2015. Collection method: clinical testing. Allele origin: germline.

Revvity Omics, Revvity
Classification: Uncertain significance for Charcot-Marie-Tooth disease type 2A1. Last evaluated: 2024-01-29. Review status: criteria provided, single submitter. Criteria: ACMG Guidelines, 2015. Collection method: clinical testing. Allele origin: germline.

Ambry Genetics
Classification: Likely benign. Last evaluated: 2020-09-15. Review status: criteria provided, single submitter. Criteria: Ambry Variant Classification Scheme 2023. Collection method: clinical testing. Allele origin: germline.

Molecular Genetics Laboratory, London Health Sciences Centre
Classification: Uncertain significance for Charcot-Marie-Tooth disease. Review status: criteria provided, single submitter. Criteria: ACMG Guidelines, 2015. Collection method: clinical testing. Allele origin: germline. Affected: yes.

Northcott Neuroscience Laboratory, ANZAC Research Institute
Classification: Benign. Review status: no assertion criteria provided. Collection method: not provided. Allele origin: unknown. Not counted in ClinVar's aggregate classification.
Comment: CMT2
ClinVar note: Converted during submission from non-pathogenic to Benign.

Literature cited by the submitters: PubMed 32376792 (cited by Labcorp Genetics (formerly Invitae), Labcorp).